The following is an entry in ClinVar:

NM_000199.5(SGSH):c.527C>G (p.Ala176Gly)

Gene: SGSH (N-sulfoglucosamine sulfohydrolase; minus strand). Cytogenetic location: 17q25.3.
Variant type: single nucleotide variant.
Coding change: c.527C>G on transcript NM_000199.5 (MANE Select); coding-DNA position 527, C replaced by G.
Protein change: p.Ala176Gly; replaces alanine 176 with glycine.
Molecular consequence: missense variant. On other transcripts: non-coding transcript variant (1).
Genome position (GRCh38, 1-based): chr17:80,214,308, G>C on the plus strand (C>G on the coding strand, the complement: SGSH is on the minus strand). VCF-style: chr17-80214308-G-C. GRCh37 (hg19) VCF-style: chr17-78188107-G-C.
Other names: c.527C>G, p.Ala176Gly (NM_001352921.3, NM_001352922.2); short protein forms A176G.
Identifiers: ClinVar variation 955417 (VCV000955417.8), dbSNP rs760996554, ClinGen allele CA8817957.

ClinVar aggregate classification (germline): Uncertain significance. Review status: criteria provided, multiple submitters, no conflicts (2 of 4 stars). 2 submissions from 2 submitters: Uncertain significance (2). Last evaluated 2022-07-15.

Conditions:
Mucopolysaccharidosis, MPS-III-A (MPS3A). Also called: mucopolysaccharidosis type 3A; MPS IIIA (Sanfilippo Syndrome Type A); HEPARAN SULFATE SULFATASE DEFICIENCY; MUCOPOLYSACCHARIDOSIS, TYPE IIIA, ATTENUATED; Mucopolysaccharidosis type IIIA (Sanfilippo A); Mucopolysaccharidosis, type IIIA. Identifiers: Orphanet 581, Orphanet 79269, MedGen C0086647, MONDO:0009655, OMIM 252900.

Allele frequency attached by ClinVar (database versions not stated): ExAC 0.00001.
gnomAD v4.1: 1 of 1,613,078 alleles (0.000062%); highest among the groups gnomAD compares: Admixed American, 0.0017%; no homozygotes.

Submissions (2):

Labcorp Genetics (formerly Invitae), Labcorp
Classification: Uncertain significance for Mucopolysaccharidosis, MPS-III-A. Last evaluated: 2022-07-15. Review status: criteria provided, single submitter. Criteria: Invitae Variant Classification Sherloc (09022015). Collection method: clinical testing. Allele origin: germline.
Comment: This sequence change replaces alanine, which is neutral and non-polar, with glycine, which is neutral and non-polar, at codon 176 of the SGSH protein (p.Ala176Gly). This variant is present in population databases (rs760996554, gnomAD 0.003%). This variant has not been reported in the literature in individuals affected with SGSH-related conditions. ClinVar contains an entry for this variant (Variation ID: 955417). Algorithms developed to predict the effect of missense changes on protein structure and function (SIFT, PolyPhen-2, Align-GVGD) all suggest that this variant is likely to be tolerated. In summary, the available evidence is currently insufficient to determine the role of this variant in disease. Therefore, it has been classified as a Variant of Uncertain Significance.

Genome-Nilou Lab
Classification: Uncertain significance for Mucopolysaccharidosis, MPS-III-A. Last evaluated: 2021-11-07. Review status: criteria provided, single submitter. Criteria: ACMG Guidelines, 2015. Collection method: clinical testing. Allele origin: germline. Affected: no.